The following is an entry in ClinVar:

ClinVar aggregate classification (germline): Uncertain significance (1 of 4 stars; one submission).

Conditions:
TAF15-related disorder. Also called: TAF15-related condition.

Submission:

PreventionGenetics, part of Exact Sciences
Classification: Uncertain significance for TAF15-related condition. Last evaluated: 2023-04-17. Review status: criteria provided, single submitter. Criteria: ACMG Guidelines, 2015. Collection method: clinical testing. Allele origin: germline.
Comment: The TAF15 c.1562_1563insTTATGGAGGAGATCGAGGAGGTTATGGAGGAGATCGAGGAGG variant is predicted to result in an in-frame amino acid insertion (p.Gly513_Arg526dup). To our knowledge, this variant has not been reported in the literature or in a large population database, indicating this variant is rare. At this time, the clinical significance of this variant is uncertain due to the absence of conclusive functional and genetic evidence.

NM_139215.3(TAF15):c.1542TTATGGAGGAGATCGAGGAGG[3] (p.Arg526_Ser527insGlyGlyTyrGlyGlyAspArgGlyGlyTyrGlyGlyAspArg)

Gene: TAF15 (TATA-box binding protein associated factor 15; plus strand). Cytogenetic location: 17q12.
Variant type: Microsatellite.
Coding change: c.1542TTATGGAGGAGATCGAGGAGG[3] on transcript NM_139215.3 (MANE Select); three copies in a row of the 21-base unit TTATGGAGGAGATCGAGGAGG starting at c.1542.
Protein change: p.Arg526_Ser527insGlyGlyTyrGlyGlyAspArgGlyGlyTyrGlyGlyAspArg.
Molecular consequence: inframe insertion.
Genome position: GRCh38, VCF-style position (the base before the change): chr17:35,844,823. GRCh37 (hg19), VCF-style position (the base before the change): chr17:34,171,827.
Other names: c.1533TTATGGAGGAGATCGAGGAGG[3], p.Arg523_Ser524insGlyGlyTyrGlyGlyAspArgGlyGlyTyrGlyGlyAspArg (NM_003487.4).
Identifiers: ClinVar variation 2629371 (VCV002629371.1), dbSNP rs750774088, ClinGen allele CA983293530.